The following is an entry in ClinVar:

NM_004006.3(DMD):c.3271T>G (p.Cys1091Gly)

Gene: DMD (dystrophin; minus strand). Cytogenetic location: Xp21.1.
Variant type: single nucleotide variant.
Coding change: c.3271T>G on transcript NM_004006.3 (MANE Select); coding-DNA position 3271, T replaced by G.
Protein change: p.Cys1091Gly; replaces cysteine 1091 with glycine.
Molecular consequence: missense variant.
Genome position (GRCh38, 1-based): chrX:32,464,591, A>C on the plus strand (T>G on the coding strand, the complement: DMD is on the minus strand). VCF-style: chrX-32464591-A-C. GRCh37 (hg19) VCF-style: chrX-32482708-A-C.
Other names: c.3247T>G, p.Cys1083Gly (NM_000109.4); c.3259T>G, p.Cys1087Gly (NM_004009.3); c.2902T>G, p.Cys968Gly (NM_004010.3); short protein forms C1091G, C1083G, C1087G, C968G.
Identifiers: ClinVar variation 572084 (VCV000572084.11), dbSNP rs1569563736, ClinGen allele CA412664694.

ClinVar aggregate classification (germline): Uncertain significance. Review status: criteria provided, multiple submitters, no conflicts (2 of 4 stars). 4 submissions from 4 submitters: Uncertain significance (3). 1 of the submissions does not count toward it. Last evaluated 2024-09-04.

Conditions:
Becker muscular dystrophy (BMD). Also called: Becker Muscular Dystrophy (BMD); MUSCULAR DYSTROPHY, PSEUDOHYPERTROPHIC PROGRESSIVE, BECKER TYPE. Identifiers: Orphanet 98895, MedGen C0917713, MONDO:0010311, OMIM 300376.
Duchenne muscular dystrophy (DMD). Also called: Duchenne Muscular Dystrophy (DMD); MUSCULAR DYSTROPHY, PSEUDOHYPERTROPHIC PROGRESSIVE, DUCHENNE TYPE. Identifiers: Orphanet 98896, MedGen C0013264, MONDO:0010679, OMIM 310200.
Dystrophin deficiency.
Cardiomyopathy (CMYO). Also called: Cardiomyopathies. Identifiers: Orphanet 167848, MedGen C0878544, MONDO:0004994, HP:0001638. Inheritance: Various modes of inheritance.
Cardiovascular phenotype. Identifiers: MedGen CN230736.

Allele frequency attached by ClinVar (database versions not stated): gnomAD exomes below 0.00001.
gnomAD v4.1: 1 of 1,190,562 alleles (0.000084%); highest among the groups gnomAD compares: Admixed American, 0.0022%; no homozygotes.

Submissions (4):

Labcorp Genetics (formerly Invitae), Labcorp
Classification: Uncertain significance for Duchenne muscular dystrophy. Last evaluated: 2024-09-04. Review status: criteria provided, single submitter. Criteria: Invitae Variant Classification Sherloc (09022015). Collection method: clinical testing. Allele origin: germline.
Comment: This sequence change replaces cysteine, which is neutral and slightly polar, with glycine, which is neutral and non-polar, at codon 1091 of the DMD protein (p.Cys1091Gly). This variant is not present in population databases (gnomAD no frequency). This variant has not been reported in the literature in individuals affected with DMD-related conditions. ClinVar contains an entry for this variant (Variation ID: 572084). Invitae Evidence Modeling of protein sequence and biophysical properties (such as structural, functional, and spatial information, amino acid conservation, physicochemical variation, residue mobility, and thermodynamic stability) indicates that this missense variant is not expected to disrupt DMD protein function with a negative predictive value of 95%. In summary, the available evidence is currently insufficient to determine the role of this variant in disease. Therefore, it has been classified as a Variant of Uncertain Significance.

Blueprint Genetics
Classification: Uncertain significance. Last evaluated: 2024-03-18. Review status: criteria provided, single submitter. Criteria: ACMG Guidelines, 2015. Collection method: clinical testing. Allele origin: germline.

Ambry Genetics
Classification: Uncertain significance for Cardiovascular phenotype. Last evaluated: 2023-08-08. Review status: criteria provided, single submitter. Criteria: Ambry Variant Classification Scheme 2023. Collection method: clinical testing. Allele origin: germline.
Comment: The p.C1091G variant (also known as c.3271T>G), located in coding exon 24 of the DMD gene, results from a T to G substitution at nucleotide position 3271. The cysteine at codon 1091 is replaced by glycine, an amino acid with highly dissimilar properties. This amino acid position is highly conserved in available vertebrate species. In addition, this alteration is predicted to be deleterious by in silico analysis. Since supporting evidence is limited at this time, the clinical significance of this alteration remains unclear.

Natera, Inc.
Classification: Uncertain significance for Becker muscular dystrophy; Cardiomyopathy; Duchenne muscular dystrophy; Dystrophin deficiency. Last evaluated: 2018-10-15. Review status: no assertion criteria provided. Collection method: clinical testing. Allele origin: germline. Not counted in ClinVar's aggregate classification.